The following is an entry in ClinVar:

NM_000051.4(ATM):c.2845A>T (p.Met949Leu)

Gene: ATM (ATM serine/threonine kinase; plus strand). Cytogenetic location: 11q22.3.
Variant type: single nucleotide variant.
Coding change: c.2845A>T on transcript NM_000051.4 (MANE Select); coding-DNA position 2845, A replaced by T.
Protein change: p.Met949Leu; replaces methionine 949 with leucine.
Molecular consequence: missense variant.
Genome position (GRCh38, 1-based): chr11:108,271,070, A>T. VCF-style: chr11-108271070-A-T. GRCh37 (hg19) VCF-style: chr11-108141797-A-T.
Other names: c.2845A>T, p.Met949Leu (NM_001351834.2); short protein forms M949L.
Identifiers: ClinVar variation 1721464 (VCV001721464.5), dbSNP rs1348704826, ClinGen allele CA382546699.

ClinVar aggregate classification (germline): Uncertain significance (1 of 4 stars; one submission).

Conditions:
Ataxia-telangiectasia syndrome (AT). Also called: Ataxia-telangiectasia, complementation group D; Ataxia telangiectasia (A-T); ATAXIA-TELANGIECTASIA, COMPLEMENTATION GROUP A; LOUIS-BAR SYNDROME; Cerebello-oculocutaneous telangiectasia; Immunodeficiency with ataxia telangiectasia. Identifiers: Orphanet 100, MedGen C0004135, MONDO:0008840, OMIM 208900.

gnomAD v4.1: 2 of 1,613,738 alleles (0.00012%); highest among the groups gnomAD compares: Non-Finnish European, 0.00017%; no homozygotes.

Submission:

Labcorp Genetics (formerly Invitae), Labcorp
Classification: Uncertain significance for Ataxia-telangiectasia syndrome. Last evaluated: 2022-07-21. Review status: criteria provided, single submitter. Criteria: Invitae Variant Classification Sherloc (09022015). Collection method: clinical testing. Allele origin: germline.
Comment: This variant has not been reported in the literature in individuals affected with ATM-related conditions. This variant is not present in population databases (gnomAD no frequency). This sequence change replaces methionine, which is neutral and non-polar, with leucine, which is neutral and non-polar, at codon 949 of the ATM protein (p.Met949Leu). In summary, the available evidence is currently insufficient to determine the role of this variant in disease. Therefore, it has been classified as a Variant of Uncertain Significance. Algorithms developed to predict the effect of sequence changes on RNA splicing suggest that this variant may create or strengthen a splice site. Advanced modeling of protein sequence and biophysical properties (such as structural, functional, and spatial information, amino acid conservation, physicochemical variation, residue mobility, and thermodynamic stability) performed at Invitae indicates that this missense variant is not expected to disrupt ATM protein function.